The following is an entry in ClinVar:

ClinVar aggregate classification (germline): Benign/Likely benign. Review status: criteria provided, multiple submitters, no conflicts (2 of 4 stars). 2 submissions from 2 submitters: Benign (1); Likely benign (1). Last evaluated 2026-07-02.

Conditions:
Sessile serrated polyposis cancer syndrome (SSPCS). Identifiers: Orphanet 157798, MedGen C4310714, MONDO:0014919, OMIM 617108.

Submissions (2):

Myriad Genetics, Inc.
Classification: Benign for Sessile serrated polyposis cancer syndrome. Last evaluated: 2026-07-02. Review status: criteria provided, single submitter. Criteria: Myriad Autosomal Dominant, Autosomal Recessive and X-Linked Classification Criteria (2023). Collection method: clinical testing. Allele origin: unknown.
Comment: This variant is considered benign. This variant is a silent/synonymous amino acid change and it is not expected to impact splicing.

Ambry Genetics
Classification: Likely benign. Last evaluated: 2024-12-08. Review status: criteria provided, single submitter. Criteria: Ambry Variant Classification Scheme 2023. Collection method: clinical testing. Allele origin: germline.

NM_017763.6(RNF43):c.1824G>T (p.Gly608=)

Gene: RNF43 (ring finger protein 43; minus strand). Cytogenetic location: 17q22.
Variant type: single nucleotide variant.
Coding change: c.1824G>T on transcript NM_017763.6 (MANE Select); coding-DNA position 1824, G replaced by T.
Protein change: p.Gly608=; no amino-acid change (glycine 608 retained).
Molecular consequence: synonymous variant.
Genome position (GRCh38, 1-based): chr17:58,357,952, C>A on the plus strand (G>T on the coding strand, the complement: RNF43 is on the minus strand). VCF-style: chr17-58357952-C-A. GRCh37 (hg19) VCF-style: chr17-56435313-C-A.
Other names: c.1824G>T, p.Gly608= (NM_001305544.3); c.1443G>T, p.Gly481= (NM_001305545.2).
Identifiers: ClinVar variation 3434546 (VCV003434546.2).
Genomic context (GRCh38, chr17:58,357,952, plus strand): 5'-GTCAACTGGGCCAGGGGCTGGCTCAGGGAGGGCCCTGGGGCACTGTGGGTTAGAGAGCCG[C>A]CCCGAAGGGGCTGCTGAGTTGGATCTGGTGACTTGCTGATCAGGAGAAGGTGGCTCTGGC-3'
Protein context (NP_060233.3, residues 598-618): VTRSNSAAPS[Gly608=]RLSNPQCPRA